The following is an entry in ClinVar:

NM_006513.4(SARS1):c.1129C>T (p.Leu377Phe)

Gene: SARS1 (seryl-tRNA synthetase 1; plus strand). Cytogenetic location: 1p13.3.
Variant type: single nucleotide variant.
Coding change: c.1129C>T on transcript NM_006513.4 (MANE Select); coding-DNA position 1129, C replaced by T.
Protein change: p.Leu377Phe; replaces leucine 377 with phenylalanine.
Molecular consequence: missense variant.
Genome position (GRCh38, 1-based): chr1:109,236,420, C>T. VCF-style: chr1-109236420-C-T. GRCh37 (hg19) VCF-style: chr1-109779042-C-T.
Other names: c.1129C>T, p.Leu377Phe (NM_001330669.1); short protein forms L377F.
Identifiers: ClinVar variation 3893288 (VCV003893288.1).
Genomic context (GRCh38, chr1:109,236,420, plus strand): 5'-CTTCATGAATTCTAGGGGTTTTTCCTTACAGGTTCTTTGAATCATGCTGCCAGTAAGAAG[C>T]TTGACCTGGAGGCCTGGTTTCCGGGCTCAGGAGCCTTCCGTGAGTTGGTCTCCTGTTCTA-3'
Protein context (NP_006504.2, residues 367-387): GSLNHAASKK[Leu377Phe]DLEAWFPGSG

ClinVar aggregate classification (germline): Uncertain significance (1 of 4 stars; one submission).

Conditions:
Neurodevelopmental disorder with microcephaly, ataxia, and seizures. Identifiers: MedGen C4540188, MONDO:0060577, OMIM 617709.

gnomAD v4.1: 9 of 1,596,510 alleles (0.00056%); highest among the groups gnomAD compares: South Asian, 0.0099%; no homozygotes.

Submission:

Diagnostics Services (NGS), CSIR - Centre For Cellular And Molecular Biology
Classification: Uncertain significance for Neurodevelopmental disorder with microcephaly, ataxia, and seizures. Last evaluated: 2025-04-11. Review status: criteria provided, single submitter. Criteria: ACMG Guidelines, 2015. Collection method: clinical testing. Allele origin: unknown. Affected: yes. Observed: 1 variant allele, 1 heterozygote.
Comment: The c.1129C>T variant is not present in 1000 Genomes, EVS, Indian Exome Database or our internal database. The variant is present in gnomAD at low frequencies. The variant has neither been published in the literature for SARS1-related conditions nor reported to clinical databases like HGMD, OMIM, or ClinVar, in any affected individuals. In-silico pathogenicity prediction programs like MutationTaster2021, CADD etc predicted this variant to be likely deleterious however these predictions were not confirmed by published functional studies.